The following is an entry in ClinVar:

ClinVar aggregate classification (germline): Uncertain significance. Review status: criteria provided, multiple submitters, no conflicts (2 of 4 stars). 2 submissions from 2 submitters: Uncertain significance (2). Last evaluated 2025-03-14.

Allele frequency attached by ClinVar (database versions not stated): gnomAD 0.00001; gnomAD exomes 0.00003 and 0.00017; TOPMed 0.00003; ExAC 0.00022.
gnomAD v4.1: 48 of 1,612,364 alleles (0.003%); highest among the groups gnomAD compares: Admixed American, 0.077%; no homozygotes.

Submissions (2):

Labcorp Genetics (formerly Invitae), Labcorp
Classification: Uncertain significance. Last evaluated: 2025-03-14. Review status: criteria provided, single submitter. Criteria: Invitae Variant Classification Sherloc (09022015). Collection method: clinical testing. Allele origin: germline.
Comment: This sequence change replaces glycine, which is neutral and non-polar, with aspartic acid, which is acidic and polar, at codon 28 of the MYO3A protein (p.Gly28Asp). This variant is present in population databases (rs771163629, gnomAD 0.08%). This variant has not been reported in the literature in individuals affected with MYO3A-related conditions. ClinVar contains an entry for this variant (Variation ID: 1307464). An algorithm developed to predict the effect of missense changes on protein structure and function (PolyPhen-2) suggests that this variant is likely to be disruptive. In summary, the available evidence is currently insufficient to determine the role of this variant in disease. Therefore, it has been classified as a Variant of Uncertain Significance.

GeneDx
Classification: Uncertain significance. Last evaluated: 2019-02-11. Review status: criteria provided, single submitter. Criteria: GeneDx Variant Classification Process June 2021. Collection method: clinical testing. Allele origin: germline. Affected: yes.
Comment: In silico analysis, which includes protein predictors and evolutionary conservation, supports a deleterious effect; Has not been previously published as pathogenic or benign to our knowledge

NM_017433.5(MYO3A):c.83G>A (p.Gly28Asp)

Gene: MYO3A (myosin IIIA; plus strand). Cytogenetic location: 10p12.1.
Variant type: single nucleotide variant.
Coding change: c.83G>A on transcript NM_017433.5 (MANE Select); coding-DNA position 83, G replaced by A.
Protein change: p.Gly28Asp; replaces glycine 28 with aspartic acid.
Molecular consequence: missense variant.
Genome position (GRCh38, 1-based): chr10:25,952,193, G>A. VCF-style: chr10-25952193-G-A. GRCh37 (hg19) VCF-style: chr10-26241122-G-A.
Other names: c.83G>A, p.Gly28Asp (NM_001368265.1); short protein forms G28D.
Identifiers: ClinVar variation 1307464 (VCV001307464.7), dbSNP rs771163629, ClinGen allele CA5444193.
Genomic context (GRCh38, chr10:25,952,193, plus strand): 5'-CAATCATCTTTGATAACTTTCCTGATCCTTCTGATACATGGGAAATCACTGAGACAATTG[G>A]CAAAGGAACTTATGGGAAAGTTTTTAAAGTATTGAATAAGAAAAATGGCCAAAAAGCAGC-3'
Protein context (NP_059129.3, residues 18-38): SDTWEITETI[Gly28Asp]KGTYGKVFKV